The following is an entry in ClinVar:

NM_030962.4(SBF2):c.5038-11_5038-8del

Genes: SBF2 (SET binding factor 2; minus strand), SBF2-AS1 (SBF2 antisense RNA 1; plus strand), LOC105369149 (uncharacterized LOC105369149; plus strand). Cytogenetic location: 11p15.4.
Variant type: Deletion.
Coding change: c.5038-11_5038-8del on transcript NM_030962.4 (MANE Select); 11 bases into the intron before coding-DNA position 5038 through 8 bases into the intron before coding-DNA position 5038, 4 bases deleted (GTCT; older notation c.5038-11_5038-8delGTCT).
Molecular consequence: intron variant.
Genome position (GRCh38, 1-based): chr11:9,785,326-9,785,329, AGAC deleted on the plus strand (GTCT on the coding strand, the reverse complement: SBF2 is on the minus strand); deleting any 4 consecutive bases within chr11:9,785,326-9,785,331 gives the same sequence; the c. name uses the placement nearest the transcript's 3' end. VCF-style (leftmost placement, unchanged base first): chr11-9785325-AAGAC-A. GRCh37 (hg19) VCF-style: chr11-9806872-AAGAC-A.
Other names: c.4909-11_4909-8del (NM_001386342.1); c.5134-11_5134-8del (NM_001386339.1).
Identifiers: ClinVar variation 1364559 (VCV001364559.6), dbSNP rs1189608485, ClinGen allele CA597901313.
Genomic context (GRCh38, chr11:9,785,325, plus strand): 5'-GGAAGGTAGGTTGGTAGACACAATTCCTGGGGATCTCGACAGGTGTCTTTGGGACTGAAA[AAGAC>A]AGGACAGGAGCTAGGAAACCTTTACAGACACTTAAACTACTGACTGGAAAATTTCATTTA-3'

ClinVar aggregate classification (germline): Uncertain significance (1 of 4 stars; one submission).

Conditions:
Charcot-Marie-Tooth disease type 4. Also called: Charcot-Marie-Tooth disease, type IV; Charcot-Marie-Tooth, Type 4. Identifiers: Orphanet 64749, MedGen C4082197, MONDO:0018995.

Submission:

Labcorp Genetics (formerly Invitae), Labcorp
Classification: Uncertain significance for Charcot-Marie-Tooth disease type 4. Last evaluated: 2021-11-18. Review status: criteria provided, single submitter. Criteria: Invitae Variant Classification Sherloc (09022015). Collection method: clinical testing. Allele origin: germline.
Comment: This sequence change falls in intron 36 of the SBF2 gene. It does not directly change the encoded amino acid sequence of the SBF2 protein. This variant is present in population databases (no rsID available, gnomAD 0.004%). This variant has not been reported in the literature in individuals affected with SBF2-related conditions. Algorithms developed to predict the effect of sequence changes on RNA splicing suggest that this variant may disrupt the consensus splice site. In summary, the available evidence is currently insufficient to determine the role of this variant in disease. Therefore, it has been classified as a Variant of Uncertain Significance.